The following is an entry in ClinVar:

ClinVar aggregate classification (germline): Likely benign (1 of 4 stars; one submission).

Allele frequency attached by ClinVar (database versions not stated): 1000 Genomes Project 0.00040; 1000 Genomes Project 30x 0.00047; ESP Exome Variant Server 0.00093; TOPMed 0.00098; gnomAD 0.00123; ExAC 0.00131.
gnomAD v4.1: 3,263 of 1,608,810 alleles (0.2%); highest among the groups gnomAD compares: Non-Finnish European, 0.26%; 1 homozygote.

Submission:

CeGaT Center for Human Genetics Tuebingen
Classification: Likely benign. Last evaluated: 2022-11-01. Review status: criteria provided, single submitter. Criteria: CeGaT Center For Human Genetics Tuebingen Variant Classification Criteria Version 2. Collection method: clinical testing. Allele origin: germline. Affected: yes. Observed: 1 variant allele.
Comment: PLEKHH1: BP4, BP7

NM_020715.3(PLEKHH1):c.2760G>A (p.Gln920=)

Genes: GPHN (gephyrin; plus strand), PLEKHH1 (pleckstrin homology, MyTH4 and FERM domain containing H1; plus strand). Cytogenetic location: 14q24.1.
Variant type: single nucleotide variant.
Coding change: c.2760G>A on transcript NM_020715.3 (MANE Select); coding-DNA position 2760, G replaced by A.
Protein change: p.Gln920=; no amino-acid change (glutamine 920 retained).
Molecular consequence: synonymous variant.
Genome position (GRCh38, 1-based): chr14:67,578,542, G>A. VCF-style: chr14-67578542-G-A. GRCh37 (hg19) VCF-style: chr14-68045259-G-A.
Identifiers: ClinVar variation 2644332 (VCV002644332.24), dbSNP rs188731260, ClinGen allele CA7237045.
Genomic context (GRCh38, chr14:67,578,542, plus strand): 5'-AGGTGGTGCTGTAGGCCCAGCACTCACCCCACGCTGTCTGTGTCCCTGGCAGTGCTGGCA[G>A]CTCCTCGCTCTGTGTGCTCCACTTTTCCTGCCTCAGCATCACTTCCTCTGGTATGTCAAG-3'
Protein context (NP_065766.1, residues 910-930): PQKYSLMQCW[Gln920=]LLALCAPLFL